The following is an entry in ClinVar:

NM_001853.4(COL9A3):c.1864+5G>A

Gene: COL9A3 (collagen type IX alpha 3 chain; plus strand). Cytogenetic location: 20q13.33.
Variant type: single nucleotide variant.
Coding change: c.1864+5G>A on transcript NM_001853.4 (MANE Select); 5 bases into the intron after coding-DNA position 1864, G replaced by A.
Molecular consequence: intron variant.
Genome position (GRCh38, 1-based): chr20:62,838,766, G>A. VCF-style: chr20-62838766-G-A. GRCh37 (hg19) VCF-style: chr20-61470118-G-A.
Identifiers: ClinVar variation 1422378 (VCV001422378.6), dbSNP rs759435903, ClinGen allele CA317345894.

ClinVar aggregate classification (germline): Uncertain significance (1 of 4 stars; one submission).

Allele frequency attached by ClinVar (database versions not stated): gnomAD 0.00001.
gnomAD v4.1: 18 of 1,551,068 alleles (0.0012%); highest among the groups gnomAD compares: Admixed American, 0.0078%; no homozygotes.

Submission:

Labcorp Genetics (formerly Invitae), Labcorp
Classification: Uncertain significance. Last evaluated: 2025-08-31. Review status: criteria provided, single submitter. Criteria: Invitae Variant Classification Sherloc (09022015). Collection method: clinical testing. Allele origin: germline.
Comment: This sequence change falls in intron 31 of the COL9A3 gene. It does not directly change the encoded amino acid sequence of the COL9A3 protein. It affects a nucleotide within the consensus splice site. The frequency data for this variant in the population databases is considered unreliable, as metrics indicate poor data quality at this position in the gnomAD database. This variant has not been reported in the literature in individuals affected with COL9A3-related conditions. ClinVar contains an entry for this variant (Variation ID: 1422378). Variants that disrupt the consensus splice site are a relatively common cause of aberrant splicing (PMID: 17576681, 9536098). Algorithms developed to predict the effect of sequence changes on RNA splicing suggest that this variant is not likely to affect RNA splicing. In summary, the available evidence is currently insufficient to determine the role of this variant in disease. Therefore, it has been classified as a Variant of Uncertain Significance.

Literature cited by the submitters: PubMed 17576681; PubMed 9536098.